The following is an entry in ClinVar:

ClinVar aggregate classification (germline): Conflicting classifications of pathogenicity. Review status: criteria provided, conflicting classifications (1 of 4 stars). 2 submissions from 2 submitters: Uncertain significance (1); Likely benign (1). Last evaluated 2025-07-04.

Conditions:
Inborn genetic diseases. Identifiers: MedGen C0950123, MeSH D030342.
Genitopatellar syndrome (GTPTS). Also called: Genitopatellar syndrome (GPS); ABSENT PATELLAE, SCROTAL HYPOPLASIA, RENAL ANOMALIES, FACIAL DYSMORPHISM, AND MENTAL RETARDATION. Identifiers: Orphanet 85201, MedGen C1853566, MONDO:0011640, OMIM 606170.

Allele frequency attached by ClinVar (database versions not stated): gnomAD 0.00001; gnomAD exomes 0.00002; TOPMed 0.00002; ExAC 0.00003.

Submissions (2):

Labcorp Genetics (formerly Invitae), Labcorp
Classification: Uncertain significance for Genitopatellar syndrome. Last evaluated: 2025-07-04. Review status: criteria provided, single submitter. Criteria: Invitae Variant Classification Sherloc (09022015). Collection method: clinical testing. Allele origin: germline.
Comment: This sequence change replaces threonine, which is neutral and polar, with alanine, which is neutral and non-polar, at codon 666 of the KAT6B protein (p.Thr666Ala). This variant is present in population databases (rs756126843, gnomAD 0.06%). This variant has not been reported in the literature in individuals affected with KAT6B-related conditions. ClinVar contains an entry for this variant (Variation ID: 2859796). An algorithm developed to predict the effect of missense changes on protein structure and function (PolyPhen-2) suggests that this variant is likely to be tolerated. In summary, the available evidence is currently insufficient to determine the role of this variant in disease. Therefore, it has been classified as a Variant of Uncertain Significance.

Ambry Genetics
Classification: Likely benign for Inborn genetic diseases. Last evaluated: 2025-05-06. Review status: criteria provided, single submitter. Criteria: Ambry Variant Classification Scheme 2023. Collection method: clinical testing. Allele origin: germline.

NM_012330.4(KAT6B):c.1996A>G (p.Thr666Ala)

Gene: KAT6B (lysine acetyltransferase 6B; plus strand). Cytogenetic location: 10q22.2.
Variant type: single nucleotide variant.
Coding change: c.1996A>G on transcript NM_012330.4 (MANE Select); coding-DNA position 1996, A replaced by G.
Protein change: p.Thr666Ala; replaces threonine 666 with alanine.
Molecular consequence: missense variant. On other transcripts: intron variant (3).
Genome position (GRCh38, 1-based): chr10:74,977,318, A>G. VCF-style: chr10-74977318-A-G. GRCh37 (hg19) VCF-style: chr10-76737076-A-G.
Other names: c.1447A>G, p.Thr483Ala (NM_001256468.2, NM_001370138.1); c.1120A>G, p.Thr374Ala (NM_001256469.2, NM_001370132.1, NM_001370139.1 and 3 more transcripts); c.1996A>G, p.Thr666Ala (NM_001370136.1, NM_001370137.1); c.931A>G, p.Thr311Ala (NM_001370143.1, NM_001370144.1); c.846+7543A>G (NM_001370133.1); c.193-1906A>G (NM_001370134.1); c.193-11701A>G (NM_001370135.1); c.1996A>G (NM_012330.2); short protein forms T666A, T311A, T374A, T483A.
Identifiers: ClinVar variation 2859796 (VCV002859796.4), dbSNP rs756126843, ClinGen allele CA5564507.